The following is an entry in ClinVar:

ClinVar aggregate classification (germline): Likely pathogenic (1 of 4 stars; one submission).

Submission:

CeGaT Center for Human Genetics Tuebingen
Classification: Likely pathogenic. Last evaluated: 2024-11-01. Review status: criteria provided, single submitter. Criteria: CeGaT Center For Human Genetics Tuebingen Variant Classification Criteria Version 2. Collection method: clinical testing. Allele origin: germline. Affected: yes. Observed: 1 variant allele.
Comment: NALCN: PM1, PM2, PP3, PS2:Supporting

NM_052867.4(NALCN):c.968A>G (p.Glu323Gly)

Gene: NALCN (sodium leak channel, non-selective; minus strand). Cytogenetic location: 13q33.1.
Variant type: single nucleotide variant.
Coding change: c.968A>G on transcript NM_052867.4 (MANE Select); coding-DNA position 968, A replaced by G.
Protein change: p.Glu323Gly; replaces glutamic acid 323 with glycine.
Molecular consequence: missense variant.
Genome position (GRCh38, 1-based): chr13:101,292,069, T>C on the plus strand (A>G on the coding strand, the complement: NALCN is on the minus strand). VCF-style: chr13-101292069-T-C. GRCh37 (hg19) VCF-style: chr13-101944420-T-C.
Other names: c.968A>G, p.Glu323Gly (NM_001350748.2, NM_001350749.2, NM_001350750.2 and 1 more transcripts); short protein forms E323G.
Identifiers: ClinVar variation 3390079 (VCV003390079.14).
Genomic context (GRCh38, chr13:101,292,069, plus strand): 5'-GTAGTGCTGCTTCTCGATCCCCACATTTGTTGAAACTGTACTCTGATTTCTGCAAATGTT[T>C]CAATGATAACAGCAATAAACACGTTCTGAAAAAAATCACAAACCACATTTACCAAAGTCT-3'
Protein context (NP_443099.1, residues 313-333): VKNVFIAVII[Glu323Gly]TFAEIRVQFQ